The following is an entry in ClinVar:

NM_175940.3(DUOX1):c.3524+15_3524+16del

Gene: DUOX1 (dual oxidase 1; plus strand). Cytogenetic location: 15q21.1.
Variant type: Deletion.
Coding change: c.3524+15_3524+16del on transcript NM_175940.3 (MANE Select); bases 15 to 16 of the intron after coding-DNA position 3524, 2 bases deleted (AT; older notation c.3524+15_3524+16delAT).
Molecular consequence: intron variant.
Genome position (GRCh38, 1-based): chr15:45,153,494-45,153,495, AT deleted. VCF-style (leftmost placement, unchanged base first): chr15-45153493-AAT-A. GRCh37 (hg19) VCF-style: chr15-45445691-AAT-A.
Other names: c.3524+15_3524+16del (NM_017434.5).
Identifiers: ClinVar variation 402808 (VCV000402808.4), dbSNP rs760297837, ClinGen allele CA7541236.

ClinVar aggregate classification (germline): Benign (1 of 4 stars; one submission).

Allele frequency attached by ClinVar (database versions not stated): gnomAD exomes 0.34859 and 0.38646; ExAC 0.40914; gnomAD 0.46320 and 0.47144.

Submission:

Laboratory for Molecular Medicine, Mass General Brigham Personalized Medicine
Classification: Benign. Last evaluated: 2016-03-29. Review status: criteria provided, single submitter. Criteria: LMM Criteria. Collection method: clinical testing. Allele origin: germline.
Comment: Variant identified in a genome or exome case(s) and assessed due to predicted null impact of the variant or pathogenic assertions in the literature or databases. Disclaimer: This variant has not undergone full assessment. The following are preliminary notes: Frequency